The following is an entry in ClinVar:

NM_007055.4(POLR3A):c.1976C>T (p.Ser659Phe)

Gene: POLR3A (RNA polymerase III subunit A; minus strand). Cytogenetic location: 10q22.3.
Variant type: single nucleotide variant.
Coding change: c.1976C>T on transcript NM_007055.4 (MANE Select); coding-DNA position 1976, C replaced by T.
Protein change: p.Ser659Phe; replaces serine 659 with phenylalanine.
Molecular consequence: missense variant.
Genome position (GRCh38, 1-based): chr10:78,007,800, G>A on the plus strand (C>T on the coding strand, the complement: POLR3A is on the minus strand). VCF-style: chr10-78007800-G-A. GRCh37 (hg19) VCF-style: chr10-79767558-G-A.
Other names: short protein forms S659F.
Identifiers: ClinVar variation 1351325 (VCV001351325.6), dbSNP rs1847425612, ClinGen allele CA377339902.

ClinVar aggregate classification (germline): Uncertain significance (1 of 4 stars; one submission).

Submission:

Labcorp Genetics (formerly Invitae), Labcorp
Classification: Uncertain significance. Last evaluated: 2024-10-29. Review status: criteria provided, single submitter. Criteria: Invitae Variant Classification Sherloc (09022015). Collection method: clinical testing. Allele origin: germline.
Comment: This sequence change replaces serine, which is neutral and polar, with phenylalanine, which is neutral and non-polar, at codon 659 of the POLR3A protein (p.Ser659Phe). This variant is not present in population databases (gnomAD no frequency). This variant has not been reported in the literature in individuals affected with POLR3A-related conditions. ClinVar contains an entry for this variant (Variation ID: 1351325). Invitae Evidence Modeling of protein sequence and biophysical properties (such as structural, functional, and spatial information, amino acid conservation, physicochemical variation, residue mobility, and thermodynamic stability) has been performed for this missense variant. However, the output from this modeling did not meet the statistical confidence thresholds required to predict the impact of this variant on POLR3A protein function. In summary, the available evidence is currently insufficient to determine the role of this variant in disease. Therefore, it has been classified as a Variant of Uncertain Significance.